The following is an entry in ClinVar:

ClinVar aggregate classification (germline): Uncertain significance. Review status: criteria provided, multiple submitters, no conflicts (2 of 4 stars). 3 submissions from 3 submitters: Uncertain significance (3). Last evaluated 2025-08-22.

Conditions:
Autosomal recessive limb-girdle muscular dystrophy type 2L (LGMDR12). Also called: Limb-girdle muscular dystrophy, type 2L; Limb-Girdle Muscular Dystrophy R12 Anoctamin-5-Related (LGMD-R12); MUSCULAR DYSTROPHY, LIMB-GIRDLE, AUTOSOMAL RECESSIVE 12. Identifiers: Orphanet 206549, MedGen C1969785, MONDO:0012652, OMIM 611307.
Gnathodiaphyseal dysplasia (GDD). Also called: GNATHODIAPHYSEAL SCLEROSIS; OSTEOGENESIS IMPERFECTA WITH UNUSUAL SKELETAL LESIONS. Identifiers: Orphanet 53697, MedGen C1833736, MONDO:0008151, OMIM 166260.
Inborn genetic diseases. Identifiers: MedGen C0950123, MeSH D030342.

Allele frequency attached by ClinVar (database versions not stated): gnomAD 0.00001; TOPMed 0.00002.
gnomAD v4.1: 21 of 1,613,558 alleles (0.0013%); highest among the groups gnomAD compares: South Asian, 0.0022%; no homozygotes.

Submissions (3):

Ambry Genetics
Classification: Uncertain significance for Inborn genetic diseases. Last evaluated: 2025-08-22. Review status: criteria provided, single submitter. Criteria: Ambry Variant Classification Scheme 2023. Collection method: clinical testing. Allele origin: germline.

Labcorp Genetics (formerly Invitae), Labcorp
Classification: Uncertain significance for Autosomal recessive limb-girdle muscular dystrophy type 2L; Gnathodiaphyseal dysplasia. Last evaluated: 2025-04-19. Review status: criteria provided, single submitter. Criteria: Invitae Variant Classification Sherloc (09022015). Collection method: clinical testing. Allele origin: germline.
Comment: This sequence change replaces valine, which is neutral and non-polar, with isoleucine, which is neutral and non-polar, at codon 575 of the ANO5 protein (p.Val575Ile). This variant is present in population databases (rs751404759, gnomAD 0.006%). This variant has not been reported in the literature in individuals affected with ANO5-related conditions. ClinVar contains an entry for this variant (Variation ID: 288657). Invitae Evidence Modeling of protein sequence and biophysical properties (such as structural, functional, and spatial information, amino acid conservation, physicochemical variation, residue mobility, and thermodynamic stability) has been performed for this missense variant. However, the output from this modeling did not meet the statistical confidence thresholds required to predict the impact of this variant on ANO5 protein function. In summary, the available evidence is currently insufficient to determine the role of this variant in disease. Therefore, it has been classified as a Variant of Uncertain Significance.

Eurofins Ntd Llc (ga)
Classification: Uncertain significance. Last evaluated: 2016-06-13. Review status: criteria provided, single submitter. Criteria: EGL Classification Definitions 2015. Collection method: clinical testing. Allele origin: germline. Observed: 1 variant allele, 1 heterozygote.

NM_213599.3(ANO5):c.1723G>A (p.Val575Ile)

Gene: ANO5 (anoctamin 5; plus strand). Cytogenetic location: 11p14.3.
Variant type: single nucleotide variant.
Coding change: c.1723G>A on transcript NM_213599.3 (MANE Select); coding-DNA position 1723, G replaced by A.
Protein change: p.Val575Ile; replaces valine 575 with isoleucine.
Molecular consequence: missense variant.
Genome position (GRCh38, 1-based): chr11:22,262,221, G>A. VCF-style: chr11-22262221-G-A. GRCh37 (hg19) VCF-style: chr11-22283767-G-A.
Other names: c.1720G>A, p.Val574Ile (NM_001142649.2); c.1723G>A (NM_213599.2); short protein forms V575I, V574I.
Identifiers: ClinVar variation 288657 (VCV000288657.10), dbSNP rs751404759, ClinGen allele CA5923329.